The following is an entry in ClinVar:

NM_000245.4(MET):c.3632+10A>G

Gene: MET (MET proto-oncogene, receptor tyrosine kinase; plus strand). Cytogenetic location: 7q31.2.
Variant type: single nucleotide variant.
Coding change: c.3632+10A>G on transcript NM_000245.4 (MANE Select); 10 bases into the intron after coding-DNA position 3632, A replaced by G.
Molecular consequence: intron variant.
Genome position (GRCh38, 1-based): chr7:116,782,107, A>G. VCF-style: chr7-116782107-A-G. GRCh37 (hg19) VCF-style: chr7-116422161-A-G.
Other names: c.3686+10A>G (NM_001127500.3); c.2342+10A>G (NM_001324402.2).
Identifiers: ClinVar variation 3773129 (VCV003773129.2).

ClinVar aggregate classification (germline): Likely benign. Review status: criteria provided, multiple submitters, no conflicts (2 of 4 stars). 2 submissions from 2 submitters: Likely benign (2). Last evaluated 2024-11-13.

Conditions:
Papillary renal cell carcinoma type 1 (RCCP1). Also called: RENAL CELL CARCINOMA, PAPILLARY, 1, SOMATIC; Renal adenocarcinoma; Renal cell carcinoma 1; Renal cell carcinoma, somatic. Identifiers: Orphanet 47044, MedGen C1336839, OMIM 605074, HP:0011797.

Submissions (2):

Myriad Genetics, Inc.
Classification: Likely benign for Papillary renal cell carcinoma type 1. Last evaluated: 2024-11-13. Review status: criteria provided, single submitter. Criteria: Myriad Autosomal Dominant, Autosomal Recessive and X-Linked Classification Criteria (2023). Collection method: clinical testing. Allele origin: unknown.
Comment: This variant is considered likely benign. This variant is intronic and is not expected to impact mRNA splicing.

Blueprint Genetics
Classification: Likely benign. Last evaluated: 2024-01-08. Review status: criteria provided, single submitter. Criteria: ACMG Guidelines, 2015. Collection method: clinical testing. Allele origin: germline.